The following is an entry in ClinVar:

ClinVar aggregate classification (germline): Uncertain significance. Review status: criteria provided, multiple submitters, no conflicts (2 of 4 stars). 2 submissions from 2 submitters: Uncertain significance (2). Last evaluated 2026-01-13.

Conditions:
Hereditary cancer-predisposing syndrome. Also called: Neoplastic Syndromes, Hereditary; Hereditary Cancer Syndrome; Hereditary neoplastic syndrome; Tumor predisposition. Identifiers: Orphanet 140162, MedGen C0027672, MeSH D009386, MONDO:0015356.
Hereditary diffuse gastric adenocarcinoma (HDGC). Also called: DIFFUSE GASTRIC AND LOBULAR BREAST CANCER SYNDROME. Identifiers: Orphanet 26106, MedGen C1708349, MONDO:0007648, OMIM 137215.

Submissions (2):

Labcorp Genetics (formerly Invitae), Labcorp
Classification: Uncertain significance for Hereditary diffuse gastric adenocarcinoma. Last evaluated: 2026-01-13. Review status: criteria provided, single submitter. Criteria: Invitae Variant Classification Sherloc (09022015). Collection method: clinical testing. Allele origin: germline.
Comment: This sequence change replaces serine, which is neutral and polar, with isoleucine, which is neutral and non-polar, at codon 327 of the CDH1 protein (p.Ser327Ile). This variant is not present in population databases (gnomAD no frequency). This variant has not been reported in the literature in individuals affected with CDH1-related conditions. ClinVar contains an entry for this variant (Variation ID: 141477). An algorithm developed to predict the effect of missense changes on protein structure and function (PolyPhen-2) suggests that this variant is likely to be disruptive. In summary, the available evidence is currently insufficient to determine the role of this variant in disease. Therefore, it has been classified as a Variant of Uncertain Significance.

Ambry Genetics
Classification: Uncertain significance for Hereditary cancer-predisposing syndrome. Last evaluated: 2015-01-29. Review status: criteria provided, single submitter. Criteria: Ambry Variant Classification Scheme 2023. Collection method: clinical testing. Allele origin: germline.
Comment: The p.S327I variant (also known as c.980G>T), located in coding exon 7 of the CDH1 gene, results from a G to T substitution at nucleotide position 980. The serine at codon 327 is replaced by isoleucine, an amino acid with dissimilar properties. This variant was not reported in population based cohorts in the following databases: Database of Single Nucleotide Polymorphisms (dbSNP), NHLBI Exome Sequencing Project (ESP), and 1000 Genomes Project. To date, this alteration has been detected with an allele frequency of approximately 0.003% (greater than 73000 alleles tested) in our clinical cohort. Based on protein sequence alignment, this amino acid position is well conserved in available vertebrate species. In addition, this alteration is predicted to be probably damaging but tolerated by PolyPhen and SIFT in silico analyses, respectively. Since supporting evidence is limited at this time, the clinical significance of p.S327I remains unclear.

NM_004360.5(CDH1):c.980G>T (p.Ser327Ile)

Gene: CDH1 (cadherin 1; plus strand). Cytogenetic location: 16q22.1.
Variant type: single nucleotide variant.
Coding change: c.980G>T on transcript NM_004360.5 (MANE Select); coding-DNA position 980, G replaced by T.
Protein change: p.Ser327Ile; replaces serine 327 with isoleucine.
Molecular consequence: missense variant. On other transcripts: 5 prime UTR variant (2).
Genome position (GRCh38, 1-based): chr16:68,811,831, G>T. VCF-style: chr16-68811831-G-T. GRCh37 (hg19) VCF-style: chr16-68845734-G-T.
Other names: c.980G>T (LRG_301t1); c.980G>T, p.Ser327Ile (NM_001317184.2); c.-636G>T (NM_001317185.2); c.-840G>T (NM_001317186.2); short protein forms S327I.
Identifiers: ClinVar variation 141477 (VCV000141477.14), dbSNP rs587781778, ClinGen allele CA165544.
Genomic context (GRCh38, chr16:68,811,831, plus strand): 5'-AAGATCCTGAGCTCCCTGACAAAAATATGTTCACCATTAACAGGAACACAGGAGTCATCA[G>T]TGTGGTCACCACTGGGCTGGACCGAGAGGTCAGGGGTCAGGAGGATCCAGAGGGTGTGGA-3'
Protein context (NP_004351.1, residues 317-337): FTINRNTGVI[Ser327Ile]VVTTGLDRES